The following is an entry in ClinVar:

ClinVar aggregate classification (germline): Pathogenic. Review status: criteria provided, multiple submitters, no conflicts (2 of 4 stars). 2 submissions from 2 submitters: Pathogenic (2). Last evaluated 2023-09-27.

Conditions:
Niemann-Pick disease, type C1. Also called: NEUROVISCERAL STORAGE DISEASE WITH VERTICAL SUPRANUCLEAR OPHTHALMOPLEGIA; NIEMANN-PICK DISEASE WITH CHOLESTEROL ESTERIFICATION BLOCK; NIEMANN-PICK DISEASE WITHOUT SPHINGOMYELINASE DEFICIENCY; NIEMANN-PICK DISEASE, CHRONIC NEURONOPATHIC FORM; NIEMANN-PICK DISEASE, VARIANT TYPE C1. Identifiers: Orphanet 646, MedGen C3179455, MONDO:0009757, OMIM 257220.

Submissions (2):

Labcorp Genetics (formerly Invitae), Labcorp
Classification: Pathogenic for Niemann-Pick disease, type C1. Last evaluated: 2023-09-27. Review status: criteria provided, single submitter. Criteria: Invitae Variant Classification Sherloc (09022015). Collection method: clinical testing. Allele origin: germline.
Comment: ClinVar contains an entry for this variant (Variation ID: 1071835). This variant has not been reported in the literature in individuals affected with NPC1-related conditions. This variant is not present in population databases (gnomAD no frequency). This sequence change creates a premature translational stop signal (p.Ile1099Tyrfs*22) in the NPC1 gene. It is expected to result in an absent or disrupted protein product. Loss-of-function variants in NPC1 are known to be pathogenic (PMID: 9211850). For these reasons, this variant has been classified as Pathogenic.

GeneDx
Classification: Pathogenic. Last evaluated: 2021-11-24. Review status: criteria provided, single submitter. Criteria: GeneDx Variant Classification Process June 2021. Collection method: clinical testing. Allele origin: germline. Affected: yes.
Comment: Not observed in large population cohorts (gnomAD); Frameshift variant predicted to result in protein truncation or nonsense mediated decay in a gene for which loss-of-function is a known mechanism of disease; This variant is associated with the following publications: (PMID: 34102701)

Literature cited by the submitters: PubMed 9211850 (cited by Labcorp Genetics (formerly Invitae), Labcorp).

NM_000271.5(NPC1):c.3294dup (p.Ile1099fs)

Gene: NPC1 (NPC intracellular cholesterol transporter 1; minus strand). Cytogenetic location: 18q11.2.
Variant type: Duplication.
Coding change: c.3294dup on transcript NM_000271.5 (MANE Select); coding-DNA position 3294, one base duplicated (T; older notation c.3294dupT).
Protein change: p.Ile1099fs; shifts the reading frame from isoleucine 1099.
Molecular consequence: frameshift variant.
Genome position (GRCh38, 1-based): chr18:23,535,652, A duplicated on the plus strand (T on the coding strand, the reverse complement: NPC1 is on the minus strand). VCF-style (leftmost placement, unchanged base first): chr18-23535651-T-TA. GRCh37 (hg19) VCF-style: chr18-21115615-T-TA.
Other names: short protein forms I1099fs.
Identifiers: ClinVar variation 1071835 (VCV001071835.8), dbSNP rs2145351616, ClinGen allele CA2499225057.